The following is an entry in ClinVar:

NM_002471.4(MYH6):c.5565+8G>A

Gene: MYH6 (myosin heavy chain 6; minus strand). Cytogenetic location: 14q11.2.
Variant type: single nucleotide variant.
Coding change: c.5565+8G>A on transcript NM_002471.4 (MANE Select); 8 bases into the intron after coding-DNA position 5565, G replaced by A.
Molecular consequence: intron variant.
Genome position (GRCh38, 1-based): chr14:23,384,434, C>T on the plus strand (G>A on the coding strand, the complement: MYH6 is on the minus strand). VCF-style: chr14-23384434-C-T. GRCh37 (hg19) VCF-style: chr14-23853643-C-T.
Identifiers: ClinVar variation 1142240 (VCV001142240.11), dbSNP rs751363583, ClinGen allele CA7114393.

ClinVar aggregate classification (germline): Benign/Likely benign. Review status: criteria provided, multiple submitters, no conflicts (2 of 4 stars). 3 submissions from 3 submitters: Benign (1); Likely benign (2). Last evaluated 2025-11-12.

Conditions:
Hypertrophic cardiomyopathy 14. Identifiers: MedGen C2750467, MONDO:0013197, OMIM 613251.

Allele frequency attached by ClinVar (database versions not stated): TOPMed below 0.00001; gnomAD 0.00001; ExAC 0.00002; gnomAD exomes 0.00003.
gnomAD v4.1: 37 of 1,608,970 alleles (0.0023%); highest among the groups gnomAD compares: Non-Finnish European, 0.0028%; no homozygotes.

Submissions (3):

Labcorp Genetics (formerly Invitae), Labcorp
Classification: Likely benign for Hypertrophic cardiomyopathy 14. Last evaluated: 2025-11-12. Review status: criteria provided, single submitter. Criteria: Invitae Variant Classification Sherloc (09022015). Collection method: clinical testing. Allele origin: germline.

Blueprint Genetics
Classification: Likely benign. Last evaluated: 2024-10-23. Review status: criteria provided, single submitter. Criteria: ACMG Guidelines, 2015. Collection method: clinical testing. Allele origin: germline.

Women's Health and Genetics/Laboratory Corporation of America, LabCorp
Classification: Benign. Last evaluated: 2021-05-24. Review status: criteria provided, single submitter. Criteria: LabCorp Variant Classification Summary - May 2015. Collection method: clinical testing. Allele origin: germline.
Comment: Variant summary: MYH6 c.5565+8G>A alters a non-conserved nucleotide located close to a canonical splice site and therefore could affect mRNA splicing, leading to a significantly altered protein sequence. 4/4 computational tools predict no significant impact on normal splicing. However, these predictions have yet to be confirmed by functional studies. The variant allele was found at a frequency of 3.6e-05 in 279468 control chromosomes (gnomAD). The observed variant frequency is approximately 1.5 fold of the estimated maximal expected allele frequency for a pathogenic variant in MYH6 causing Cardiomyopathy phenotype (2.5e-05), strongly suggesting that the variant is benign. To our knowledge, no occurrence of c.5565+8G>A in individuals affected with Cardiomyopathy and no experimental evidence demonstrating its impact on protein function have been reported. No clinical diagnostic laboratories have submitted clinical-significance assessments for this variant to ClinVar after 2014. Based on the evidence outlined above, the variant was classified as benign.